The following is an entry in ClinVar:

ClinVar aggregate classification (germline): Uncertain significance (1 of 4 stars; one submission).

Conditions:
Immunodeficiency, common variable, 2 (CVID2). Also called: ANTIBODY DEFICIENCY DUE TO TACI DEFECT; HYPOGAMMAGLOBULINEMIA DUE TO TACI DEFICIENCY. Identifiers: Orphanet 1572, MedGen C3150354, MONDO:0009413, OMIM 240500.

gnomAD v4.1: 3 of 1,611,452 alleles (0.00019%); highest among the groups gnomAD compares: South Asian, 0.0033%; no homozygotes.

Submission:

Labcorp Genetics (formerly Invitae), Labcorp
Classification: Uncertain significance for Immunodeficiency, common variable, 2. Last evaluated: 2025-06-08. Review status: criteria provided, single submitter. Criteria: Invitae Variant Classification Sherloc (09022015). Collection method: clinical testing. Allele origin: germline.
Comment: This sequence change replaces serine, which is neutral and polar, with tyrosine, which is neutral and polar, at codon 223 of the TNFRSF13B protein (p.Ser223Tyr). This variant is not present in population databases (gnomAD no frequency). This variant has not been reported in the literature in individuals affected with TNFRSF13B-related conditions. Invitae Evidence Modeling of protein sequence and biophysical properties (such as structural, functional, and spatial information, amino acid conservation, physicochemical variation, residue mobility, and thermodynamic stability) indicates that this missense variant is not expected to disrupt TNFRSF13B protein function with a negative predictive value of 95%. In summary, the available evidence is currently insufficient to determine the role of this variant in disease. Therefore, it has been classified as a Variant of Uncertain Significance.

NM_012452.3(TNFRSF13B):c.668C>A (p.Ser223Tyr)

Gene: TNFRSF13B (TNF receptor superfamily member 13B; minus strand). Cytogenetic location: 17p11.2.
Variant type: single nucleotide variant.
Coding change: c.668C>A on transcript NM_012452.3 (MANE Select); coding-DNA position 668, C replaced by A.
Protein change: p.Ser223Tyr; replaces serine 223 with tyrosine.
Molecular consequence: missense variant.
Genome position (GRCh38, 1-based): chr17:16,939,761, G>T on the plus strand (C>A on the coding strand, the complement: TNFRSF13B is on the minus strand). VCF-style: chr17-16939761-G-T. GRCh37 (hg19) VCF-style: chr17-16843075-G-T.
Other names: short protein forms S223Y.
Identifiers: ClinVar variation 4692980 (VCV004692980.1).